The following is an entry in ClinVar:

NM_144672.4(OTOA):c.1183G>A (p.Val395Ile)

Gene: OTOA (otoancorin). Cytogenetic location: 16p12.2.
Variant type: single nucleotide variant.
Coding change: c.1183G>A on transcript NM_144672.4 (MANE Select); coding-DNA position 1183, G replaced by A.
Protein change: p.Val395Ile; replaces valine 395 with isoleucine.
Molecular consequence: missense variant.
Genome position (GRCh38, 1-based): chr16:21,709,966, G>A. VCF-style: chr16-21709966-G-A. GRCh37 (hg19) VCF-style: chr16-21721287-G-A.
Other names: c.946G>A, p.Val316Ile (NM_001161683.2); c.211G>A, p.Val71Ile (NM_170664.3); short protein forms V395I, V316I, V71I.
Identifiers: ClinVar variation 1345849 (VCV001345849.3), dbSNP rs1898305595, ClinGen allele CA395062295.

ClinVar aggregate classification (germline): Uncertain significance (1 of 4 stars; one submission).

Allele frequency attached by ClinVar (database versions not stated): gnomAD exomes below 0.00001; TOPMed below 0.00001; gnomAD 0.00001.
gnomAD v4.1: 2 of 1,613,854 alleles (0.00012%); highest among the groups gnomAD compares: Non-Finnish European, 0.00017%; no homozygotes.

Submission:

Labcorp Genetics (formerly Invitae), Labcorp
Classification: Uncertain significance. Last evaluated: 2021-10-21. Review status: criteria provided, single submitter. Criteria: Invitae Variant Classification Sherloc (09022015). Collection method: clinical testing. Allele origin: germline.
Comment: This sequence change replaces valine with isoleucine at codon 395 of the OTOA protein (p.Val395Ile). The valine residue is highly conserved and there is a small physicochemical difference between valine and isoleucine. This variant is not present in population databases (ExAC no frequency). This variant has not been reported in the literature in individuals affected with OTOA-related conditions. Algorithms developed to predict the effect of missense changes on protein structure and function are either unavailable or do not agree on the potential impact of this missense change (SIFT: "Tolerated"; PolyPhen-2: "Possibly Damaging"; Align-GVGD: "Class C0"). In summary, the available evidence is currently insufficient to determine the role of this variant in disease. Therefore, it has been classified as a Variant of Uncertain Significance.